The following is an entry in ClinVar:

ClinVar aggregate classification (germline): Likely pathogenic (1 of 4 stars; one submission).

Submission:

GeneDx
Classification: Likely pathogenic. Last evaluated: 2017-10-18. Review status: criteria provided, single submitter. Criteria: GeneDx Variant Classification (06012015). Collection method: clinical testing. Allele origin: germline. Affected: yes.
Comment: The c.1913delA variant in the NGLY1 gene has not been reported previously as a pathogenic variant nor as a benign variant, to our knowledge. The c.1913delA variant causes a frameshift starting with codon Asparagine 638, changes this amino acid to a Methionine residue, and creates a premature Stop codon at position 10 of the new reading frame, denoted p.Asn638MetfsX10. This variant is predicted to cause loss of normal protein function through protein truncation. The c.1913delA variant is not observed in large population cohorts (Lek et al., 2016). We interpret c.1913delA as a likely pathogenic variant.

NM_018297.4(NGLY1):c.1913del (p.Asn638fs)

Gene: NGLY1 (N-glycanase 1; minus strand). Cytogenetic location: 3p24.2.
Variant type: Deletion.
Coding change: c.1913del on transcript NM_018297.4 (MANE Select); coding-DNA position 1913, one base deleted (A; older notation c.1913delA).
Protein change: p.Asn638fs; shifts the reading frame from asparagine 638.
Molecular consequence: frameshift variant. On other transcripts: 3 prime UTR variant (1).
Genome position (GRCh38, 1-based): chr3:25,719,512, T deleted on the plus strand (A on the coding strand, the reverse complement: NGLY1 is on the minus strand); the first of 3 consecutive T bases (chr3:25,719,512-25,719,514); deleting any one gives the same sequence. VCF-style (leftmost placement, unchanged base first): chr3-25719511-AT-A. GRCh37 (hg19) VCF-style: chr3-25761002-AT-A.
Other names: c.1859del, p.Asn620fs (NM_001145293.2); c.1787del, p.Asn596fs (NM_001145294.2); c.*58del (NM_001145295.2); short protein forms N596fs, N620fs, N638fs.
Identifiers: ClinVar variation 453046 (VCV000453046.2), dbSNP rs1553649843, ClinGen allele CA658657279.